The following is an entry in ClinVar:

ClinVar aggregate classification (germline): Uncertain significance (1 of 4 stars; one submission).

Conditions:
Neuropathy, hereditary sensory, type 2C. Also called: Hereditary sensory and autonomic neuropathy type IIC; KIF1A-Related HSAN2 (HSAN2C). Identifiers: Orphanet 970, MedGen C3280168, MONDO:0013634, OMIM 614213.
Hereditary spastic paraplegia 30. Identifiers: Orphanet 101010, MedGen C5235139, MONDO:0012476.
Intellectual disability, autosomal dominant 9 (NESCAVS). Also called: NESCAV SYNDROME; KIF1A-Related Neurodevelopmental Disorder. Identifiers: Orphanet 662367, MedGen C5393830, MONDO:0013656, OMIM 614255.

Allele frequency attached by ClinVar (database versions not stated): gnomAD exomes below 0.00001.

Submission:

Labcorp Genetics (formerly Invitae), Labcorp
Classification: Uncertain significance for Hereditary spastic paraplegia 30; Neuropathy, hereditary sensory, type 2C; Intellectual disability, autosomal dominant 9. Last evaluated: 2025-03-31. Review status: criteria provided, single submitter. Criteria: Invitae Variant Classification Sherloc (09022015). Collection method: clinical testing. Allele origin: germline.
Comment: This sequence change falls in intron 23 of the KIF1A gene. It does not directly change the encoded amino acid sequence of the KIF1A protein. It affects a nucleotide within the consensus splice site. This variant is not present in population databases (gnomAD no frequency). This variant has not been reported in the literature in individuals affected with KIF1A-related conditions. ClinVar contains an entry for this variant (Variation ID: 2929093). Variants that disrupt the consensus splice site are a relatively common cause of aberrant splicing (PMID: 17576681, 9536098). Algorithms developed to predict the effect of sequence changes on RNA splicing suggest that this variant may create or strengthen a splice site. In summary, the available evidence is currently insufficient to determine the role of this variant in disease. Therefore, it has been classified as a Variant of Uncertain Significance.

Literature cited by the submitters: PubMed 17576681; PubMed 9536098.

NM_001244008.2(KIF1A):c.2445-8_2445-3del

Gene: KIF1A (kinesin family member 1A; minus strand). Cytogenetic location: 2q37.3.
Variant type: Deletion.
Coding change: c.2445-8_2445-3del on transcript NM_001244008.2 (MANE Select); 8 bases into the intron before coding-DNA position 2445 through 3 bases into the intron before coding-DNA position 2445, 6 bases deleted (CCCTGC; older notation c.2445-8_2445-3delCCCTGC).
Molecular consequence: intron variant.
Genome position (GRCh38, 1-based): chr2:240,758,500-240,758,505, GCAGGG deleted on the plus strand (CCCTGC on the coding strand, the reverse complement: KIF1A is on the minus strand). VCF-style (leftmost placement, unchanged base first): chr2-240758499-TGCAGGG-T. GRCh37 (hg19) VCF-style: chr2-241697916-TGCAGGG-T.
Other names: c.2418-8_2418-3del (NM_001379653.1, NM_001379650.1, NM_001379645.1 and 10 more transcripts); c.2520-8_2520-3del (NM_001379635.1, NM_001330290.2, NM_001379646.1 and 2 more transcripts); c.2493-8_2493-3del (NM_001379637.1, NM_001379648.1); c.2445-8_2445-3del (NM_001320705.2, NM_001379638.1, NM_001330289.2).
Identifiers: ClinVar variation 2929093 (VCV002929093.3), dbSNP rs2537539369, ClinGen allele CA2663991467.